The following is an entry in ClinVar:

ClinVar aggregate classification (germline): Uncertain significance. Review status: criteria provided, multiple submitters, no conflicts (2 of 4 stars). 2 submissions from 2 submitters: Uncertain significance (2). Last evaluated 2025-06-15.

Conditions:
Early-infantile DEE. Also called: Early infantile epileptic encephalopathy with suppression bursts; Early infantile epileptic encephalopathy; Ohtahara syndrome. Identifiers: Orphanet 1934, MedGen C0393706, MONDO:0800491.
Inborn genetic diseases. Identifiers: MedGen C0950123, MeSH D030342.

gnomAD v4.1: 3 of 1,613,964 alleles (0.00019%); highest among the groups gnomAD compares: African/African-American, 0.0013%; no homozygotes.

Submissions (2):

Labcorp Genetics (formerly Invitae), Labcorp
Classification: Uncertain significance for Early-infantile DEE. Last evaluated: 2025-06-15. Review status: criteria provided, single submitter. Criteria: Invitae Variant Classification Sherloc (09022015). Collection method: clinical testing. Allele origin: germline.
Comment: This sequence change replaces alanine, which is neutral and non-polar, with serine, which is neutral and polar, at codon 905 of the KCNH5 protein (p.Ala905Ser). This variant is not present in population databases (gnomAD no frequency). This variant has not been reported in the literature in individuals affected with KCNH5-related conditions. ClinVar contains an entry for this variant (Variation ID: 3701882). Invitae Evidence Modeling of protein sequence and biophysical properties (such as structural, functional, and spatial information, amino acid conservation, physicochemical variation, residue mobility, and thermodynamic stability) indicates that this missense variant is not expected to disrupt KCNH5 protein function with a negative predictive value of 95%. In summary, the available evidence is currently insufficient to determine the role of this variant in disease. Therefore, it has been classified as a Variant of Uncertain Significance.

Ambry Genetics
Classification: Uncertain significance for Inborn genetic diseases. Last evaluated: 2025-03-15. Review status: criteria provided, single submitter. Criteria: Ambry Variant Classification Scheme 2023. Collection method: clinical testing. Allele origin: germline.

NM_139318.5(KCNH5):c.2713G>T (p.Ala905Ser)

Gene: KCNH5 (potassium voltage-gated channel subfamily H member 5; minus strand). Cytogenetic location: 14q23.2.
Variant type: single nucleotide variant.
Coding change: c.2713G>T on transcript NM_139318.5 (MANE Select); coding-DNA position 2713, G replaced by T.
Protein change: p.Ala905Ser; replaces alanine 905 with serine.
Molecular consequence: missense variant. On other transcripts: 3 prime UTR variant (1).
Genome position (GRCh38, 1-based): chr14:62,707,762, C>A on the plus strand (G>T on the coding strand, the complement: KCNH5 is on the minus strand). VCF-style: chr14-62707762-C-A. GRCh37 (hg19) VCF-style: chr14-63174480-C-A.
Other names: c.*680G>T (NM_172375.3); c.2713G>T (NM_139318.3); short protein forms A905S.
Identifiers: ClinVar variation 3701882 (VCV003701882.3).